The following is an entry in ClinVar:

ClinVar aggregate classification (germline): Uncertain significance. Review status: criteria provided, multiple submitters, no conflicts (2 of 4 stars). 4 submissions from 4 submitters: Uncertain significance (4). Last evaluated 2025-04-02.

Conditions:
Cardiovascular phenotype. Identifiers: MedGen CN230736.
Long QT syndrome (LQTS). Identifiers: MedGen C0023976, MeSH D008133, MONDO:0002442. Disease mechanism: loss of function. Inheritance: Various modes of inheritance.
KCNJ5-related disorder. Also called: KCNJ5-related condition.

Allele frequency attached by ClinVar (database versions not stated): gnomAD exomes below 0.00001 and 0.00002; gnomAD 0.00002; TOPMed 0.00002.
gnomAD v4.1: 29 of 1,613,970 alleles (0.0018%); highest among the groups gnomAD compares: Admixed American, 0.0033%; no homozygotes.

Submissions (4):

PreventionGenetics, part of Exact Sciences
Classification: Uncertain significance for KCNJ5-related condition. Last evaluated: 2025-04-02. Review status: criteria provided, single submitter. Criteria: ACMG Guidelines, 2015. Collection method: clinical testing. Allele origin: germline.
Comment: The KCNJ5 c.449T>C variant is predicted to result in the amino acid substitution p.Ile150Thr. To our knowledge, this variant has not been reported in the literature. This variant is reported in 0.0029% of alleles in individuals of Latino descent in gnomAD. At this time, the clinical significance of this variant is uncertain due to the absence of conclusive functional and genetic evidence.

Labcorp Genetics (formerly Invitae), Labcorp
Classification: Uncertain significance for Long QT syndrome. Last evaluated: 2023-09-29. Review status: criteria provided, single submitter. Criteria: Invitae Variant Classification Sherloc (09022015). Collection method: clinical testing. Allele origin: germline.
Comment: Advanced modeling of protein sequence and biophysical properties (such as structural, functional, and spatial information, amino acid conservation, physicochemical variation, residue mobility, and thermodynamic stability) performed at Invitae indicates that this missense variant is not expected to disrupt KCNJ5 protein function. In summary, the available evidence is currently insufficient to determine the role of this variant in disease. Therefore, it has been classified as a Variant of Uncertain Significance. ClinVar contains an entry for this variant (Variation ID: 946292). This variant has not been reported in the literature in individuals affected with KCNJ5-related conditions. This variant is present in population databases (no rsID available, gnomAD 0.003%). This sequence change replaces isoleucine, which is neutral and non-polar, with threonine, which is neutral and polar, at codon 150 of the KCNJ5 protein (p.Ile150Thr).

Ambry Genetics
Classification: Uncertain significance for Cardiovascular phenotype. Last evaluated: 2023-05-17. Review status: criteria provided, single submitter. Criteria: Ambry Variant Classification Scheme 2023. Collection method: clinical testing. Allele origin: germline.
Comment: The p.I150T variant (also known as c.449T>C), located in coding exon 1 of the KCNJ5 gene, results from a T to C substitution at nucleotide position 449. The isoleucine at codon 150 is replaced by threonine, an amino acid with similar properties. This amino acid position is highly conserved in available vertebrate species. In addition, this alteration is predicted to be deleterious by in silico analysis. Since supporting evidence is limited at this time, the clinical significance of this alteration remains unclear.

GeneDx
Classification: Uncertain significance. Last evaluated: 2023-03-17. Review status: criteria provided, single submitter. Criteria: GeneDx Variant Classification Process June 2021. Collection method: clinical testing. Allele origin: germline. Affected: yes.
Comment: Has not been previously published as pathogenic or benign to our knowledge; Not observed at significant frequency in large population cohorts (gnomAD); In silico analysis supports that this missense variant has a deleterious effect on protein structure/function

NM_000890.5(KCNJ5):c.449T>C (p.Ile150Thr)

Gene: KCNJ5 (potassium inwardly rectifying channel subfamily J member 5; plus strand). Cytogenetic location: 11q24.3.
Variant type: single nucleotide variant.
Coding change: c.449T>C on transcript NM_000890.5 (MANE Select); coding-DNA position 449, T replaced by C.
Protein change: p.Ile150Thr; replaces isoleucine 150 with threonine.
Molecular consequence: missense variant.
Genome position (GRCh38, 1-based): chr11:128,911,722, T>C. VCF-style: chr11-128911722-T-C. GRCh37 (hg19) VCF-style: chr11-128781617-T-C.
Other names: c.449T>C, p.Ile150Thr (NM_001354169.2); short protein forms I150T.
Identifiers: ClinVar variation 946292 (VCV000946292.13), dbSNP rs1232257803, ClinGen allele CA383248180.